The following is an entry in ClinVar:

NM_003108.4(SOX11):c.49G>C (p.Glu17Gln)

Gene: SOX11 (SRY-box transcription factor 11; plus strand). Cytogenetic location: 2p25.2.
Variant type: single nucleotide variant.
Coding change: c.49G>C on transcript NM_003108.4 (MANE Select); coding-DNA position 49, G replaced by C.
Protein change: p.Glu17Gln; replaces glutamic acid 17 with glutamine.
Molecular consequence: missense variant.
Genome position (GRCh38, 1-based): chr2:5,692,770, G>C. VCF-style: chr2-5692770-G-C. GRCh37 (hg19) VCF-style: chr2-5832902-G-C.
Other names: short protein forms E17Q.
Identifiers: ClinVar variation 2984298 (VCV002984298.3), dbSNP rs149438305, ClinGen allele CA1517792.

ClinVar aggregate classification (germline): Uncertain significance (1 of 4 stars; one submission).

Allele frequency attached by ClinVar (database versions not stated): gnomAD exomes below 0.00001; ExAC 0.00001; ESP Exome Variant Server 0.00008.
gnomAD v4.1: 1 of 1,610,750 alleles (0.000062%); highest among the groups gnomAD compares: Non-Finnish European, 0.000085%; no homozygotes.

Submission:

Labcorp Genetics (formerly Invitae), Labcorp
Classification: Uncertain significance. Last evaluated: 2024-10-17. Review status: criteria provided, single submitter. Criteria: Invitae Variant Classification Sherloc (09022015). Collection method: clinical testing. Allele origin: germline.
Comment: This sequence change replaces glutamic acid, which is acidic and polar, with glutamine, which is neutral and polar, at codon 17 of the SOX11 protein (p.Glu17Gln). This variant is present in population databases (rs149438305, gnomAD 0.0009%). This variant has not been reported in the literature in individuals affected with SOX11-related conditions. Invitae Evidence Modeling of protein sequence and biophysical properties (such as structural, functional, and spatial information, amino acid conservation, physicochemical variation, residue mobility, and thermodynamic stability) indicates that this missense variant is not expected to disrupt SOX11 protein function with a negative predictive value of 95%. In summary, the available evidence is currently insufficient to determine the role of this variant in disease. Therefore, it has been classified as a Variant of Uncertain Significance.